The following is an entry in ClinVar:

ClinVar aggregate classification (germline): Uncertain significance (1 of 4 stars; one submission).

Conditions:
Cardiovascular phenotype. Identifiers: MedGen CN230736.

gnomAD v4.1: 1 of 1,613,264 alleles (0.000062%); no homozygotes.

Submission:

Ambry Genetics
Classification: Uncertain significance for Cardiovascular phenotype. Last evaluated: 2026-08-03. Review status: criteria provided, single submitter. Criteria: Ambry Variant Classification Scheme 2023. Collection method: clinical testing. Allele origin: germline.
Comment: The p.Y391C variant (also known as c.1172A>G), located in coding exon 6 of the LOX gene, results from an A to G substitution at nucleotide position 1172. The tyrosine at codon 391 is replaced by cysteine, an amino acid with highly dissimilar properties. This amino acid position is conserved. In addition, the in silico prediction for this alteration is inconclusive. Based on the available evidence, the clinical significance of this variant remains unclear.

NM_002317.7(LOX):c.1172A>G (p.Tyr391Cys)

Genes: LOX (lysyl oxidase; minus strand), SRFBP1 (serum response factor binding protein 1; plus strand). Cytogenetic location: 5q23.1.
Variant type: single nucleotide variant.
Coding change: c.1172A>G on transcript NM_002317.7 (MANE Select); coding-DNA position 1172, A replaced by G.
Protein change: p.Tyr391Cys; replaces tyrosine 391 with cysteine.
Molecular consequence: missense variant.
Genome position (GRCh38, 1-based): chr5:122,070,128, T>C on the plus strand (A>G on the coding strand, the complement: LOX is on the minus strand). VCF-style: chr5-122070128-T-C. GRCh37 (hg19) VCF-style: chr5-121405823-T-C.
Other names: c.482A>G, p.Tyr161Cys (NM_001178102.2); c.281A>G, p.Tyr94Cys (NM_001317073.1); short protein forms Y161C, Y391C, Y94C.
Identifiers: ClinVar variation 5023633 (VCV005023633.1).